The following is an entry in ClinVar:

NM_004320.6(ATP2A1):c.1936G>A (p.Glu646Lys)

Gene: ATP2A1 (ATPase sarcoplasmic/endoplasmic reticulum Ca2+ transporting 1; plus strand). Cytogenetic location: 16p11.2.
Variant type: single nucleotide variant.
Coding change: c.1936G>A on transcript NM_004320.6 (MANE Select); coding-DNA position 1936, G replaced by A.
Protein change: p.Glu646Lys; replaces glutamic acid 646 with lysine.
Molecular consequence: missense variant.
Genome position (GRCh38, 1-based): chr16:28,900,752, G>A. VCF-style: chr16-28900752-G-A. GRCh37 (hg19) VCF-style: chr16-28912073-G-A.
Other names: c.1936G>A (NM_173201.4); c.1561G>A, p.Glu521Lys (NM_001286075.2); c.1936G>A, p.Glu646Lys (NM_173201.5); short protein forms E521K, E646K.
Identifiers: ClinVar variation 885966 (VCV000885966.10), dbSNP rs141394193, ClinGen allele CA7987121.
Genomic context (GRCh38, chr16:28,900,752, plus strand): 5'-GGGGACAACAAGGGCACAGCCATTGCCATCTGCCGGCGAATTGGCATCTTTGGGGAGAAC[G>A]AGGAGGTGGCCGATCGCGCCTACACGGGCCGAGAGTTCGACGACCTGCCCCTGGCTGAAC-3'
Protein context (NP_004311.1, residues 636-656): CRRIGIFGEN[Glu646Lys]EVADRAYTGR

ClinVar aggregate classification (germline): Uncertain significance. Review status: criteria provided, multiple submitters, no conflicts (2 of 4 stars). 3 submissions from 3 submitters: Uncertain significance (3). Last evaluated 2024-12-04.

Conditions:
Brody myopathy. Also called: BRODY DISEASE. Identifiers: Orphanet 53347, MedGen C1832918, MONDO:0010977, OMIM 601003.

Allele frequency attached by ClinVar (database versions not stated): TOPMed 0.00002.
gnomAD v4.1: 43 of 1,614,248 alleles (0.0027%); highest among the groups gnomAD compares: East Asian, 0.0045%; no homozygotes.

Submissions (3):

Revvity Omics, Revvity
Classification: Uncertain significance for Brody myopathy. Last evaluated: 2024-12-04. Review status: criteria provided, single submitter. Criteria: ACMG Guidelines, 2015. Collection method: clinical testing. Allele origin: germline.

Labcorp Genetics (formerly Invitae), Labcorp
Classification: Uncertain significance for Brody myopathy. Last evaluated: 2021-09-01. Review status: criteria provided, single submitter. Criteria: Invitae Variant Classification Sherloc (09022015). Collection method: clinical testing. Allele origin: germline.
Comment: This sequence change replaces glutamic acid with lysine at codon 646 of the ATP2A1 protein (p.Glu646Lys). The glutamic acid residue is moderately conserved and there is a small physicochemical difference between glutamic acid and lysine. This variant is present in population databases (rs141394193, ExAC 0.005%). This variant has not been reported in the literature in individuals affected with ATP2A1-related conditions. ClinVar contains an entry for this variant (Variation ID: 885966). Algorithms developed to predict the effect of missense changes on protein structure and function are either unavailable or do not agree on the potential impact of this missense change (SIFT: "Deleterious"; PolyPhen-2: "Benign"; Align-GVGD: "Class C0"). In summary, the available evidence is currently insufficient to determine the role of this variant in disease. Therefore, it has been classified as a Variant of Uncertain Significance.

Illumina Laboratory Services, Illumina
Classification: Uncertain significance for Brody myopathy. Last evaluated: 2018-01-13. Review status: criteria provided, single submitter. Criteria: ICSL Variant Classification Criteria 13 December 2019. Collection method: clinical testing. Allele origin: germline.